The following is an entry in ClinVar:

ClinVar aggregate classification (germline): Uncertain significance (1 of 4 stars; one submission).

Conditions:
Inborn genetic diseases. Identifiers: MedGen C0950123, MeSH D030342.

Submission:

Ambry Genetics
Classification: Uncertain significance for Inborn genetic diseases. Last evaluated: 2026-04-22. Review status: criteria provided, single submitter. Criteria: Ambry Variant Classification Scheme 2023. Collection method: clinical testing. Allele origin: germline.
Comment: The p.S1129G variant (also known as c.3385A>G), located in coding exon 1 of the SAMD9 gene, results from an A to G substitution at nucleotide position 3385. The serine at codon 1129 is replaced by glycine, an amino acid with similar properties. This amino acid position is conserved. In addition, this alteration is predicted to be tolerated by in silico analysis. Based on the available evidence, the clinical significance of this variant remains unclear.

NM_017654.4(SAMD9):c.3385A>G (p.Ser1129Gly)

Gene: SAMD9 (sterile alpha motif domain containing 9; minus strand). Cytogenetic location: 7q21.2.
Variant type: single nucleotide variant.
Coding change: c.3385A>G on transcript NM_017654.4 (MANE Select); coding-DNA position 3385, A replaced by G.
Protein change: p.Ser1129Gly; replaces serine 1129 with glycine.
Molecular consequence: missense variant.
Genome position (GRCh38, 1-based): chr7:93,102,713, T>C on the plus strand (A>G on the coding strand, the complement: SAMD9 is on the minus strand). VCF-style: chr7-93102713-T-C. GRCh37 (hg19) VCF-style: chr7-92732026-T-C.
Other names: c.3385A>G, p.Ser1129Gly (NM_001193307.2); short protein forms S1129G.
Identifiers: ClinVar variation 4863828 (VCV004863828.1).